The following is an entry in ClinVar:

ClinVar aggregate classification (germline): Uncertain significance (1 of 4 stars; one submission).

Conditions:
Neurofibromatosis, type 1 (NF1). Also called: Peripheral type neurofibromatosis; VON RECKLINGHAUSEN DISEASE; NEUROFIBROMATOSIS, TYPE I, SOMATIC; Neurofibromatosis, type I. Identifiers: Orphanet 636, MedGen C0027831, MONDO:0018975, OMIM 162200. Disease mechanism: loss of function.

gnomAD v4.1: 1 of 1,613,942 alleles (0.000062%); highest among the groups gnomAD compares: South Asian, 0.0011%; no homozygotes.

Submission:

Labcorp Genetics (formerly Invitae), Labcorp
Classification: Uncertain significance for Neurofibromatosis, type 1. Last evaluated: 2024-04-29. Review status: criteria provided, single submitter. Criteria: Invitae Variant Classification Sherloc (09022015). Collection method: clinical testing. Allele origin: germline.
Comment: This sequence change replaces lysine, which is basic and polar, with arginine, which is basic and polar, at codon 2236 of the NF1 protein (p.Lys2236Arg). This variant is not present in population databases (gnomAD no frequency). This variant has not been reported in the literature in individuals affected with NF1-related conditions. Advanced modeling of protein sequence and biophysical properties (such as structural, functional, and spatial information, amino acid conservation, physicochemical variation, residue mobility, and thermodynamic stability) has been performed at Invitae for this missense variant, however the output from this modeling did not meet the statistical confidence thresholds required to predict the impact of this variant on NF1 protein function. In summary, the available evidence is currently insufficient to determine the role of this variant in disease. Therefore, it has been classified as a Variant of Uncertain Significance.

NM_001042492.3(NF1):c.6770A>G (p.Lys2257Arg)

Gene: NF1 (neurofibromin 1; plus strand). Cytogenetic location: 17q11.2.
Variant type: single nucleotide variant.
Coding change: c.6770A>G on transcript NM_001042492.3 (MANE Select); coding-DNA position 6770, A replaced by G.
Protein change: p.Lys2257Arg; replaces lysine 2257 with arginine.
Molecular consequence: missense variant.
Genome position (GRCh38, 1-based): chr17:31,338,090, A>G. VCF-style: chr17-31338090-A-G. GRCh37 (hg19) VCF-style: chr17-29665108-A-G.
Other names: c.6707A>G, p.Lys2236Arg (NM_000267.4); short protein forms K2236R, K2257R.
Identifiers: ClinVar variation 3662440 (VCV003662440.2).